The following is an entry in ClinVar:

ClinVar aggregate classification (germline): Uncertain significance (1 of 4 stars; one submission).

Allele frequency attached by ClinVar (database versions not stated): gnomAD 0.00003; TOPMed 0.00003.
gnomAD v4.1: 50 of 1,613,650 alleles (0.0031%); highest among the groups gnomAD compares: Admixed American, 0.0067%; no homozygotes.

Submission:

GeneDx
Classification: Uncertain significance. Last evaluated: 2020-01-08. Review status: criteria provided, single submitter. Criteria: GeneDx Variant Classification Process June 2021. Collection method: clinical testing. Allele origin: germline. Affected: yes.
Comment: Not observed at a significant frequency in large population cohorts (Lek et al., 2016); In silico analysis, which includes protein predictors and evolutionary conservation, supports that this variant does not alter protein structure/function; Has not been previously published as pathogenic or benign to our knowledge

NM_003922.4(HERC1):c.6088A>G (p.Ile2030Val)

Gene: HERC1 (HECT and RLD domain containing E3 ubiquitin protein ligase family member 1; minus strand). Cytogenetic location: 15q22.31.
Variant type: single nucleotide variant.
Coding change: c.6088A>G on transcript NM_003922.4 (MANE Select); coding-DNA position 6088, A replaced by G.
Protein change: p.Ile2030Val; replaces isoleucine 2030 with valine.
Molecular consequence: missense variant.
Genome position (GRCh38, 1-based): chr15:63,686,496, T>C on the plus strand (A>G on the coding strand, the complement: HERC1 is on the minus strand). VCF-style: chr15-63686496-T-C. GRCh37 (hg19) VCF-style: chr15-63978695-T-C.
Other names: short protein forms I2030V.
Identifiers: ClinVar variation 1317198 (VCV001317198.2), dbSNP rs769757261, ClinGen allele CA7605392.